The following is an entry in ClinVar:

ClinVar aggregate classification (germline): Likely benign (0 of 4 stars; one submission).

Conditions:
NR2E3-related disorder. Also called: NR2E3-related disorders; NR2E3-related condition. Identifiers: MedGen CN239387.

Submission:

PreventionGenetics, part of Exact Sciences
Classification: Likely benign for NR2E3-related condition. Last evaluated: 2022-09-20. Review status: no assertion criteria provided. Collection method: clinical testing. Allele origin: germline.
Comment: This variant is classified as likely benign based on ACMG/AMP sequence variant interpretation guidelines (Richards et al. 2015 PMID: 25741868, with internal and published modifications).

NM_014249.4(NR2E3):c.798C>T (p.Ile266=)

Gene: NR2E3 (nuclear receptor subfamily 2 group E member 3; plus strand). Cytogenetic location: 15q23.
Variant type: single nucleotide variant.
Coding change: c.798C>T on transcript NM_014249.4 (MANE Select); coding-DNA position 798, C replaced by T.
Protein change: p.Ile266=; no amino-acid change (isoleucine 266 retained).
Molecular consequence: synonymous variant.
Genome position (GRCh38, 1-based): chr15:71,813,439, C>T. VCF-style: chr15-71813439-C-T. GRCh37 (hg19) VCF-style: chr15-72105779-C-T.
Other names: c.798C>T, p.Ile266= (NM_016346.4).
Identifiers: ClinVar variation 3053907 (VCV003053907.2), dbSNP rs2543256169, ClinGen allele CA491104424.